The following is an entry in ClinVar:

NM_001242896.3(DEPDC5):c.4333A>G (p.Ile1445Val)

Gene: DEPDC5 (DEP domain containing 5, GATOR1 subcomplex subunit; plus strand). Cytogenetic location: 22q12.3.
Variant type: single nucleotide variant.
Coding change: c.4333A>G on transcript NM_001242896.3 (MANE Select); coding-DNA position 4333, A replaced by G.
Protein change: p.Ile1445Val; replaces isoleucine 1445 with valine.
Molecular consequence: missense variant. On other transcripts: non-coding transcript variant (5).
Genome position (GRCh38, 1-based): chr22:31,897,611, A>G. VCF-style: chr22-31897611-A-G. GRCh37 (hg19) VCF-style: chr22-32293597-A-G.
Other names: c.4306A>G, p.Ile1436Val (NM_001136029.4); c.4033A>G, p.Ile1345Val (NM_001242897.2); c.4267A>G, p.Ile1423Val (NM_001363852.2, NM_001364320.2); c.4099A>G, p.Ile1367Val (NM_001363854.2, NM_001364319.2); c.4333A>G, p.Ile1445Val (NM_001364318.2); c.4249A>G, p.Ile1417Val (NM_001369901.1, NM_001369902.1); c.4240A>G, p.Ile1414Val (NM_001369903.1, NM_014662.6); short protein forms I1345V, I1423V, I1445V, I1367V, I1417V, I1436V, I1414V.
Identifiers: ClinVar variation 2788847 (VCV002788847.3), dbSNP rs2523318522, ClinGen allele CA411288819.

ClinVar aggregate classification (germline): Uncertain significance (1 of 4 stars; one submission).

Conditions:
Familial focal epilepsy with variable foci (FPEVF). Identifiers: Orphanet 98820, MedGen C1858477, MONDO:0020310.

Allele frequency attached by ClinVar (database versions not stated): gnomAD exomes below 0.00001.
gnomAD v4.1: 1 of 1,614,044 alleles (0.000062%); highest among the groups gnomAD compares: Admixed American, 0.0017%; no homozygotes.

Submission:

Labcorp Genetics (formerly Invitae), Labcorp
Classification: Uncertain significance for Familial focal epilepsy with variable foci. Last evaluated: 2023-12-18. Review status: criteria provided, single submitter. Criteria: Invitae Variant Classification Sherloc (09022015). Collection method: clinical testing. Allele origin: germline.
Comment: This sequence change replaces isoleucine, which is neutral and non-polar, with valine, which is neutral and non-polar, at codon 1445 of the DEPDC5 protein (p.Ile1445Val). This variant is not present in population databases (gnomAD no frequency). This variant has not been reported in the literature in individuals affected with DEPDC5-related conditions. Algorithms developed to predict the effect of missense changes on protein structure and function output the following: SIFT: "Not Available"; PolyPhen-2: "Not Available"; Align-GVGD: "Not Available". The valine amino acid residue is found in multiple mammalian species, which suggests that this missense change does not adversely affect protein function. In summary, the available evidence is currently insufficient to determine the role of this variant in disease. Therefore, it has been classified as a Variant of Uncertain Significance.